The following is an entry in ClinVar:

ClinVar aggregate classification (germline): Conflicting classifications of pathogenicity. Review status: criteria provided, conflicting classifications (1 of 4 stars). 4 submissions from 4 submitters: Uncertain significance (2); Likely benign (1). 1 of the submissions does not count toward it. Last evaluated 2024-12-10.

Conditions:
Inborn genetic diseases. Identifiers: MedGen C0950123, MeSH D030342.
Fanconi anemia (FA). Also called: Fanconi's anemia. Identifiers: Orphanet 84, MedGen C0015625, MeSH D005199, MONDO:0019391.
Fanconi anemia complementation group G. Also called: FANCG-Related Fanconi Anemia; Fanconi anemia group G. Identifiers: Orphanet 84, MedGen C3469527, MONDO:0013565, OMIM 614082.

Allele frequency attached by ClinVar (database versions not stated): ExAC 0.00002; gnomAD exomes 0.00002 and 0.00004; gnomAD 0.00003 and 0.00004; TOPMed 0.00003; ESP Exome Variant Server 0.00008.

Submissions (4):

Ambry Genetics
Classification: Likely benign for Inborn genetic diseases. Last evaluated: 2024-12-10. Review status: criteria provided, single submitter. Criteria: Ambry Variant Classification Scheme 2023. Collection method: clinical testing. Allele origin: germline.

Labcorp Genetics (formerly Invitae), Labcorp
Classification: Uncertain significance for Fanconi anemia. Last evaluated: 2024-01-24. Review status: criteria provided, single submitter. Criteria: Invitae Variant Classification Sherloc (09022015). Collection method: clinical testing. Allele origin: germline.
Comment: This sequence change replaces arginine, which is basic and polar, with glutamine, which is neutral and polar, at codon 98 of the FANCG protein (p.Arg98Gln). This variant is present in population databases (rs372854981, gnomAD 0.01%). This variant has not been reported in the literature in individuals affected with FANCG-related conditions. ClinVar contains an entry for this variant (Variation ID: 239966). Advanced modeling of protein sequence and biophysical properties (such as structural, functional, and spatial information, amino acid conservation, physicochemical variation, residue mobility, and thermodynamic stability) performed at Invitae indicates that this missense variant is not expected to disrupt FANCG protein function with a negative predictive value of 80%. In summary, the available evidence is currently insufficient to determine the role of this variant in disease. Therefore, it has been classified as a Variant of Uncertain Significance.

Fulgent Genetics
Classification: Uncertain significance for Fanconi anemia complementation group G. Last evaluated: 2022-02-12. Review status: criteria provided, single submitter. Criteria: ACMG Guidelines, 2015. Collection method: clinical testing. Allele origin: unknown.

Natera, Inc.
Classification: Uncertain significance for Fanconi anemia group G. Last evaluated: 2019-10-28. Review status: no assertion criteria provided. Collection method: clinical testing. Allele origin: germline. Not counted in ClinVar's aggregate classification.

NM_004629.2(FANCG):c.293G>A (p.Arg98Gln)

Gene: FANCG (FA complementation group G; minus strand). Cytogenetic location: 9p13.3.
Variant type: single nucleotide variant.
Coding change: c.293G>A on transcript NM_004629.2 (MANE Select); coding-DNA position 293, G replaced by A.
Protein change: p.Arg98Gln; replaces arginine 98 with glutamine.
Molecular consequence: missense variant.
Genome position (GRCh38, 1-based): chr9:35,078,619, C>T on the plus strand (G>A on the coding strand, the complement: FANCG is on the minus strand). VCF-style: chr9-35078619-C-T. GRCh37 (hg19) VCF-style: chr9-35078616-C-T.
Other names: short protein forms R98Q.
Identifiers: ClinVar variation 239966 (VCV000239966.6), dbSNP rs372854981, ClinGen allele CA5040093.